The following is an entry in ClinVar:

ClinVar aggregate classification (germline): Pathogenic (1 of 4 stars; one submission).

Conditions:
Neutral lipid storage myopathy (NLSDM). Also called: NEUTRAL LIPID STORAGE DISEASE WITHOUT ICHTHYOSIS. Identifiers: Orphanet 98908, MedGen C1853136, MONDO:0012545, OMIM 610717.

Allele frequency attached by ClinVar (database versions not stated): gnomAD 0.00001.
gnomAD v4.1: 7 of 1,512,878 alleles (0.00046%); highest among the groups gnomAD compares: African/African-American, 0.0014%; no homozygotes.

Submission:

Labcorp Genetics (formerly Invitae), Labcorp
Classification: Pathogenic for Neutral lipid storage myopathy. Last evaluated: 2025-03-10. Review status: criteria provided, single submitter. Criteria: Invitae Variant Classification Sherloc (09022015). Collection method: clinical testing. Allele origin: germline.
Comment: This sequence change creates a premature translational stop signal (p.Cys15*) in the PNPLA2 gene. It is expected to result in an absent or disrupted protein product. Loss-of-function variants in PNPLA2 are known to be pathogenic (PMID: 17187067). This variant is present in population databases (no rsID available, gnomAD 0.01%). This variant has not been reported in the literature in individuals affected with PNPLA2-related conditions. ClinVar contains an entry for this variant (Variation ID: 2879553). For these reasons, this variant has been classified as Pathogenic.

Literature cited by the submitters: PubMed 17187067.

NM_020376.4(PNPLA2):c.45C>A (p.Cys15Ter)

Genes: PNPLA2 (patatin like domain 2, triacylglycerol lipase; plus strand), LOC130005097 (ATAC-STARR-seq lymphoblastoid silent region 3036; plus strand). Cytogenetic location: 11p15.5.
Variant type: single nucleotide variant.
Coding change: c.45C>A on transcript NM_020376.4 (MANE Select); coding-DNA position 45, C replaced by A.
Protein change: p.Cys15Ter; replaces cysteine 15 with a stop codon.
Molecular consequence: nonsense.
Genome position (GRCh38, 1-based): chr11:819,763, C>A. VCF-style: chr11-819763-C-A. GRCh37 (hg19) VCF-style: chr11-819763-C-A.
Other names: short protein forms C15*.
Identifiers: ClinVar variation 2879553 (VCV002879553.3), dbSNP rs1489387064, ClinGen allele CA378976438.